The following is an entry in ClinVar:

ClinVar aggregate classification (germline): Likely benign. Review status: criteria provided, multiple submitters, no conflicts (2 of 4 stars). 2 submissions from 2 submitters: Likely benign (2). Last evaluated 2025-01-29.

Conditions:
Hereditary cancer-predisposing syndrome. Also called: Hereditary neoplastic syndrome; Tumor predisposition; Hereditary Cancer Syndrome; Neoplastic Syndromes, Hereditary. Identifiers: Orphanet 140162, MedGen C0027672, MeSH D009386, MONDO:0015356.
Lynch syndrome 4 (LYNCH4). Also called: Colorectal cancer, hereditary nonpolyposis, type 4; Hereditary non-polyposis colorectal cancer, type 4. Identifiers: Orphanet 144, MedGen C1838333, MONDO:0013699, OMIM 614337. Disease mechanism: loss of function.

Allele frequency attached by ClinVar (database versions not stated): gnomAD exomes below 0.00001.
gnomAD v4.1: 1 of 1,564,380 alleles (0.000064%); highest among the groups gnomAD compares: Non-Finnish European, 0.000088%; no homozygotes.

Submissions (2):

Myriad Genetics, Inc.
Classification: Likely benign for Lynch syndrome 4. Last evaluated: 2025-01-29. Review status: criteria provided, single submitter. Criteria: Myriad Autosomal Dominant, Autosomal Recessive and X-Linked Classification Criteria (2023). Collection method: clinical testing. Allele origin: unknown.
Comment: This variant is considered likely benign. This variant is intronic and is not expected to impact mRNA splicing.

Color Diagnostics, LLC DBA Color Health
Classification: Likely benign for Hereditary cancer-predisposing syndrome. Last evaluated: 2017-03-08. Review status: criteria provided, single submitter. Criteria: ACMG Guidelines, 2015. Collection method: clinical testing. Allele origin: germline.

NM_000535.7(PMS2):c.989-6C>T

Gene: PMS2 (PMS1 homolog 2, mismatch repair system component; minus strand). Cytogenetic location: 7p22.1.
Variant type: single nucleotide variant.
Coding change: c.989-6C>T on transcript NM_000535.7 (MANE Select); 6 bases into the intron before coding-DNA position 989, C replaced by T.
Molecular consequence: intron variant.
Genome position (GRCh38, 1-based): chr7:5,989,961, G>A on the plus strand (C>T on the coding strand, the complement: PMS2 is on the minus strand). VCF-style: chr7-5989961-G-A. GRCh37 (hg19) VCF-style: chr7-6029592-G-A.
Other names: c.671-6C>T (NM_001322008.2, NM_001322007.2); c.583+2012C>T (NM_001322010.2); c.584-6C>T (NM_001322004.2, NM_001322003.2, NM_001322009.2 and 1 more transcripts); c.416-6C>T (NM_001322013.2); c.56-6C>T (NM_001322012.2, NM_001322011.2); c.680-6C>T (NM_001322015.2); c.988+2012C>T (NM_001322006.2); c.989-6C>T (NM_001322014.2).
Identifiers: ClinVar variation 492307 (VCV000492307.4), dbSNP rs1554298834, ClinGen allele CA658683472.